The following is an entry in ClinVar:

NM_001002294.3(FMO3):c.1282A>T (p.Thr428Ser)

Gene: FMO3 (flavin containing dimethylaniline monoxygenase 3; plus strand). Cytogenetic location: 1q24.3.
Variant type: single nucleotide variant.
Coding change: c.1282A>T on transcript NM_001002294.3 (MANE Select); coding-DNA position 1282, A replaced by T.
Protein change: p.Thr428Ser; replaces threonine 428 with serine.
Molecular consequence: missense variant.
Genome position (GRCh38, 1-based): chr1:171,117,125, A>T. VCF-style: chr1-171117125-A-T. GRCh37 (hg19) VCF-style: chr1-171086265-A-T.
Other names: c.1222A>T, p.Thr408Ser (NM_001319173.2); c.1093A>T, p.Thr365Ser (NM_001319174.2); c.1282A>T, p.Thr428Ser (NM_006894.6); short protein forms T365S, T408S, T428S.
Identifiers: ClinVar variation 1690593 (VCV001690593.2), dbSNP rs147245760, ClinGen allele CA1240809.

ClinVar aggregate classification (germline): Uncertain significance (1 of 4 stars; one submission).

Allele frequency attached by ClinVar (database versions not stated): gnomAD exomes 0.00004 and 0.00006; ExAC 0.00005; ESP Exome Variant Server 0.00008; gnomAD 0.00023 and 0.00024; TOPMed 0.00051.
gnomAD v4.1: 113 of 1,614,030 alleles (0.007%); highest among the groups gnomAD compares: Admixed American, 0.06%; no homozygotes.

Submission:

Laboratorio de Genetica e Diagnostico Molecular, Hospital Israelita Albert Einstein
Classification: Uncertain significance. Last evaluated: 2022-03-28. Review status: criteria provided, single submitter. Criteria: ACMG Guidelines, 2015. Collection method: clinical testing. Allele origin: germline. Affected: yes.
Comment: ACMG classification criteria: PM2, BP4